The following is an entry in ClinVar:

NM_001690.4(ATP6V1A):c.1716G>A (p.Glu572=)

Gene: ATP6V1A (ATPase H+ transporting V1 subunit A; plus strand). Cytogenetic location: 3q13.31.
Variant type: single nucleotide variant.
Coding change: c.1716G>A on transcript NM_001690.4 (MANE Select); coding-DNA position 1716, G replaced by A.
Protein change: p.Glu572=; no amino-acid change (glutamic acid 572 retained).
Molecular consequence: synonymous variant.
Genome position (GRCh38, 1-based): chr3:113,805,480, G>A. VCF-style: chr3-113805480-G-A. GRCh37 (hg19) VCF-style: chr3-113524327-G-A.
Identifiers: ClinVar variation 1701462 (VCV001701462.34), dbSNP rs1157798681, ClinGen allele CA434937734.

ClinVar aggregate classification (germline): Likely benign. Review status: criteria provided, multiple submitters, no conflicts (2 of 4 stars). 2 submissions from 2 submitters: Likely benign (2). Last evaluated 2023-03-30.

Allele frequency attached by ClinVar (database versions not stated): gnomAD exomes below 0.00001.
gnomAD v4.1: 1 of 1,613,954 alleles (0.000062%); highest among the groups gnomAD compares: Non-Finnish European, 0.000085%; no homozygotes.

Submissions (2):

Labcorp Genetics (formerly Invitae), Labcorp
Classification: Likely benign. Last evaluated: 2023-03-30. Review status: criteria provided, single submitter. Criteria: Invitae Variant Classification Sherloc (09022015). Collection method: clinical testing. Allele origin: germline.

CeGaT Center for Human Genetics Tuebingen
Classification: Likely benign. Last evaluated: 2022-07-01. Review status: criteria provided, single submitter. Criteria: CeGaT Center For Human Genetics Tuebingen Variant Classification Criteria Version 2. Collection method: clinical testing. Allele origin: germline. Affected: yes. Observed: 1 variant allele.
Comment: ATP6V1A: BP4, BP7